The following is an entry in ClinVar:

NM_001148.6(ANK2):c.11181C>T (p.Gly3727=)

Gene: ANK2 (ankyrin 2; plus strand). Cytogenetic location: 4q26.
Variant type: single nucleotide variant.
Coding change: c.11181C>T on transcript NM_001148.6 (MANE Select); coding-DNA position 11181, C replaced by T.
Protein change: p.Gly3727=; no amino-acid change (glycine 3727 retained).
Molecular consequence: synonymous variant.
Genome position (GRCh38, 1-based): chr4:113,367,714, C>T. VCF-style: chr4-113367714-C-T. GRCh37 (hg19) VCF-style: chr4-114288870-C-T.
Other names: c.4899C>T, p.Gly1633= (NM_001127493.3); c.4938C>T, p.Gly1646= (NM_001354225.2); c.4827C>T, p.Gly1609= (NM_001354228.2, NM_001354258.2); c.4905C>T, p.Gly1635= (NM_001354230.2); c.4968C>T, p.Gly1656= (NM_001354231.2, NM_001354242.2); c.4962C>T, p.Gly1654= (NM_001354232.2); c.4923C>T, p.Gly1641= (NM_001354235.2, NM_001354246.2, NM_001354265.2); c.4824C>T, p.Gly1608= (NM_001354236.2); and 35 more.
Identifiers: ClinVar variation 413952 (VCV000413952.45), dbSNP rs185569619, ClinGen allele CA3052241.

ClinVar aggregate classification (germline): Benign/Likely benign. Review status: criteria provided, multiple submitters, no conflicts (2 of 4 stars). 9 submissions from 9 submitters: Benign (4); Likely benign (5). Last evaluated 2026-06-01.

Conditions:
Cardiovascular phenotype. Identifiers: MedGen CN230736.
Long QT syndrome (LQTS). Identifiers: MedGen C0023976, MeSH D008133, MONDO:0002442. Disease mechanism: loss of function. Inheritance: Various modes of inheritance.
Cardiac arrhythmia, ankyrin-B-related. Also called: ANKYRIN-B SYNDROME. Identifiers: Orphanet 101016, Orphanet 768, MedGen C1970119, MONDO:0010958, OMIM 600919.

Allele frequency attached by ClinVar (database versions not stated): gnomAD 0.00009; TOPMed 0.00016; 1000 Genomes Project 0.00020; ExAC 0.00027; 1000 Genomes Project 30x 0.00031; gnomAD exomes 0.00037.
gnomAD v4.1: 221 of 1,613,708 alleles (0.014%); highest among the groups gnomAD compares: Admixed American, 0.15%; no homozygotes.

Submissions (9):

CeGaT Center for Human Genetics Tuebingen
Classification: Likely benign. Last evaluated: 2026-06-01. Review status: criteria provided, single submitter. Criteria: CeGaT Center For Human Genetics Tuebingen Variant Classification Criteria Version 2. Collection method: clinical testing. Allele origin: germline. Affected: yes. Observed: 2 variant alleles.
Comment: ANK2: BP4, BP7, BS1

Labcorp Genetics (formerly Invitae), Labcorp
Classification: Benign for Long QT syndrome. Last evaluated: 2025-11-25. Review status: criteria provided, single submitter. Criteria: Invitae Variant Classification Sherloc (09022015). Collection method: clinical testing. Allele origin: germline.

Ambry Genetics
Classification: Likely benign for Cardiovascular phenotype. Last evaluated: 2022-04-04. Review status: criteria provided, single submitter. Criteria: Ambry Variant Classification Scheme 2023. Collection method: clinical testing. Allele origin: germline.

Genome-Nilou Lab
Classification: Benign for Cardiac arrhythmia, ankyrin-B-related. Last evaluated: 2021-12-05. Review status: criteria provided, single submitter. Criteria: ACMG Guidelines, 2015. Collection method: clinical testing. Allele origin: germline. Affected: no.

GeneDx
Classification: Likely benign. Last evaluated: 2021-05-21. Review status: criteria provided, single submitter. Criteria: GeneDx Variant Classification Process June 2021. Collection method: clinical testing. Allele origin: germline. Affected: yes.

Molecular Diagnostic Laboratory for Inherited Cardiovascular Disease, Montreal Heart Institute
Classification: Likely benign. Last evaluated: 2019-09-17. Review status: criteria provided, single submitter. Criteria: ACMG Guidelines, 2015. Collection method: clinical testing. Allele origin: germline. Affected: yes.

Illumina Laboratory Services, Illumina
Classification: Benign for Cardiac arrhythmia, ankyrin-B-related. Last evaluated: 2018-03-28. Review status: criteria provided, single submitter. Criteria: ICSL Variant Classification Criteria 13 December 2019. Collection method: clinical testing. Allele origin: germline.
Comment: This variant was observed in the ICSL laboratory as part of a predisposition screen in an ostensibly healthy population. It had not been previously curated by ICSL or reported in the Human Gene Mutation Database (HGMD: prior to June 1st, 2018), and was therefore a candidate for classification through an automated scoring system. Utilizing variant allele frequency, disease prevalence and penetrance estimates, and inheritance mode, an automated score was calculated to assess if this variant is too frequent to cause the disease. Based on the score and internal cut-off values, a variant classified as benign is not then subjected to further curation. The score for this variant resulted in a classification of benign for this disease.

Women's Health and Genetics/Laboratory Corporation of America, LabCorp
Classification: Benign. Last evaluated: 2017-01-30. Review status: criteria provided, single submitter. Criteria: LabCorp Variant Classification Summary - May 2015. Collection method: clinical testing. Allele origin: germline.
Comment: Variant summary: The ANK2 c.11181C>T (p.Gly3727Gly) variant involves the alteration of a non-conserved nucleotide, resulting in a synonymous change. One in silico tool predicts a benign outcome for this variant. 4/5 splice prediction tools predict no significant impact on normal splicing. ESE finder predicts that this variant may affect ESE sites. However, these predictions have yet to be confirmed by functional studies. This variant was found in 33/121348 control chromosomes, predominantly observed in the Latino subpopulation at a frequency of 0.001643 (19/11564). This frequency is about 164 times the estimated maximal expected allele frequency of a pathogenic ANK2 variant (0.00001), suggesting this is likely a benign polymorphism found primarily in the populations of Latino origin. The variant of interest has not, to our knowledge, been reported in affected individuals via publications and/or reputable databases/clinical diagnostic laboratories; nor evaluated for functional impact by in vivo/vitro studies. Taken together, this variant is classified as benign.

Breakthrough Genomics
Classification: Likely benign. Review status: criteria provided, single submitter. Criteria: ACMG Guidelines, 2015. Collection method: not provided. Allele origin: germline. Inheritance: Autosomal dominant inheritance. Affected: yes.